The following is an entry in ClinVar:

ClinVar aggregate classification (germline): Uncertain significance (1 of 4 stars; one submission).

Allele frequency attached by ClinVar (database versions not stated): TOPMed below 0.00001; ExAC 0.00001.
gnomAD v4.1: 8 of 1,613,506 alleles (0.0005%); highest among the groups gnomAD compares: South Asian, 0.0011%; no homozygotes.

Submission:

Labcorp Genetics (formerly Invitae), Labcorp
Classification: Uncertain significance. Last evaluated: 2022-05-27. Review status: criteria provided, single submitter. Criteria: Invitae Variant Classification Sherloc (09022015). Collection method: clinical testing. Allele origin: germline.
Comment: This sequence change replaces aspartic acid, which is acidic and polar, with asparagine, which is neutral and polar, at codon 691 of the DOCK6 protein (p.Asp691Asn). This variant is present in population databases (rs750382885, gnomAD 0.002%). This variant has not been reported in the literature in individuals affected with DOCK6-related conditions. Algorithms developed to predict the effect of missense changes on protein structure and function are either unavailable or do not agree on the potential impact of this missense change (SIFT: "Tolerated"; PolyPhen-2: "Probably Damaging"; Align-GVGD: "Class C0"). In summary, the available evidence is currently insufficient to determine the role of this variant in disease. Therefore, it has been classified as a Variant of Uncertain Significance.

NM_020812.4(DOCK6):c.2071G>A (p.Asp691Asn)

Gene: DOCK6 (dedicator of cytokinesis 6; minus strand). Cytogenetic location: 19p13.2.
Variant type: single nucleotide variant.
Coding change: c.2071G>A on transcript NM_020812.4 (MANE Select); coding-DNA position 2071, G replaced by A.
Protein change: p.Asp691Asn; replaces aspartic acid 691 with asparagine.
Molecular consequence: missense variant.
Genome position (GRCh38, 1-based): chr19:11,237,458, C>T on the plus strand (G>A on the coding strand, the complement: DOCK6 is on the minus strand). VCF-style: chr19-11237458-C-T. GRCh37 (hg19) VCF-style: chr19-11348134-C-T.
Other names: c.2071G>A, p.Asp691Asn (NM_001367830.1); short protein forms D691N.
Identifiers: ClinVar variation 1991531 (VCV001991531.4), dbSNP rs750382885, ClinGen allele CA9207752.